The following is an entry in ClinVar:

NM_194248.3(OTOF):c.5632G>A (p.Val1878Met)

Gene: OTOF (otoferlin; minus strand). Cytogenetic location: 2p23.3.
Variant type: single nucleotide variant.
Coding change: c.5632G>A on transcript NM_194248.3 (MANE Select); coding-DNA position 5632, G replaced by A.
Protein change: p.Val1878Met; replaces valine 1878 with methionine.
Molecular consequence: missense variant.
Genome position (GRCh38, 1-based): chr2:26,460,932, C>T on the plus strand (G>A on the coding strand, the complement: OTOF is on the minus strand). VCF-style: chr2-26460932-C-T. GRCh37 (hg19) VCF-style: chr2-26683800-C-T.
Other names: c.5632G>A, p.Val1878Met (NM_001287489.2); c.3331G>A, p.Val1111Met (NM_004802.4, NM_194323.3); c.3562G>A, p.Val1188Met (NM_194322.3); short protein forms V1878M, V1111M, V1188M.
Identifiers: ClinVar variation 391704 (VCV000391704.10), dbSNP rs757360892, ClinGen allele CA1562760.

ClinVar aggregate classification (germline): Conflicting classifications of pathogenicity. Review status: criteria provided, conflicting classifications (1 of 4 stars). 5 submissions from 5 submitters: Uncertain significance (4); Likely benign (1). Last evaluated 2026-01-22.

Conditions:
Inborn genetic diseases. Identifiers: MedGen C0950123, MeSH D030342.
Autosomal recessive nonsyndromic hearing loss 9. Also called: Deafness, autosomal recessive 9; OTOF-Related Hearing Loss; AUDITORY NEUROPATHY, AUTOSOMAL RECESSIVE, 1, TEMPERATURE-SENSITIVE; NEUROSENSORY NONSYNDROMIC RECESSIVE DEAFNESS 9. Identifiers: Orphanet 90636, MedGen C1832828, MONDO:0010986, OMIM 601071.

Allele frequency attached by ClinVar (database versions not stated): gnomAD 0.00001; TOPMed 0.00002; gnomAD exomes 0.00006; ExAC 0.00007.
gnomAD v4.1: 43 of 1,614,000 alleles (0.0027%); highest among the groups gnomAD compares: East Asian, 0.016%; no homozygotes.

Submissions (5):

Labcorp Genetics (formerly Invitae), Labcorp
Classification: Likely benign. Last evaluated: 2026-01-22. Review status: criteria provided, single submitter. Criteria: Invitae Variant Classification Sherloc (09022015). Collection method: clinical testing. Allele origin: germline.

Ambry Genetics
Classification: Uncertain significance for Inborn genetic diseases. Last evaluated: 2025-09-10. Review status: criteria provided, single submitter. Criteria: Ambry Variant Classification Scheme 2023. Collection method: clinical testing. Allele origin: germline.

Fulgent Genetics
Classification: Uncertain significance for Autosomal recessive nonsyndromic hearing loss 9. Last evaluated: 2021-12-16. Review status: criteria provided, single submitter. Criteria: ACMG Guidelines, 2015. Collection method: clinical testing. Allele origin: unknown.

Blueprint Genetics
Classification: Uncertain significance. Last evaluated: 2019-05-15. Review status: criteria provided, single submitter. Criteria: ACMG Guidelines, 2015. Collection method: clinical testing. Allele origin: germline.

GeneDx
Classification: Uncertain significance. Last evaluated: 2017-01-03. Review status: criteria provided, single submitter. Criteria: GeneDx Variant Classification (06012015). Collection method: clinical testing. Allele origin: germline. Affected: yes.
Comment: The V1878M variant in the OTOF gene has not been reported previously as a pathogenic variant, nor as a benign variant, to our knowledge. This variant was not observed in approximately 6500 individuals of European and African American ancestry in the NHLBI Exome Sequencing Project, indicating it is not a common benign variant in these populations. The V1878M variant is a conservative amino acid substitution, which is not likely to impact secondary protein structure as these residues share similar properties. This substitution occurs at a position where amino acids with similar properties to Valine are tolerated across species. In silico analysis predicts this variant is probably damaging to the protein structure/function. We interpret V1878M as a variant of uncertain significance.